The following is an entry in ClinVar:

ClinVar aggregate classification (germline): Uncertain significance (1 of 4 stars; one submission).

Submission:

Labcorp Genetics (formerly Invitae), Labcorp
Classification: Uncertain significance. Last evaluated: 2025-01-20. Review status: criteria provided, single submitter. Criteria: Invitae Variant Classification Sherloc (09022015). Collection method: clinical testing. Allele origin: germline.
Comment: This sequence change replaces glycine, which is neutral and non-polar, with arginine, which is basic and polar, at codon 12 of the NEFH protein (p.Gly12Arg). This variant is not present in population databases (gnomAD no frequency). This variant has not been reported in the literature in individuals affected with NEFH-related conditions. Invitae Evidence Modeling of protein sequence and biophysical properties (such as structural, functional, and spatial information, amino acid conservation, physicochemical variation, residue mobility, and thermodynamic stability) indicates that this missense variant is not expected to disrupt NEFH protein function with a negative predictive value of 95%. In summary, the available evidence is currently insufficient to determine the role of this variant in disease. Therefore, it has been classified as a Variant of Uncertain Significance.

NM_021076.4(NEFH):c.34G>C (p.Gly12Arg)

Gene: NEFH (neurofilament heavy chain; plus strand). Cytogenetic location: 22q12.2.
Variant type: single nucleotide variant.
Coding change: c.34G>C on transcript NM_021076.4 (MANE Select); coding-DNA position 34, G replaced by C.
Protein change: p.Gly12Arg; replaces glycine 12 with arginine.
Molecular consequence: missense variant.
Genome position (GRCh38, 1-based): chr22:29,480,296, G>C. VCF-style: chr22-29480296-G-C. GRCh37 (hg19) VCF-style: chr22-29876285-G-C.
Other names: short protein forms G12R.
Identifiers: ClinVar variation 3671182 (VCV003671182.2).
Genomic context (GRCh38, chr22:29,480,296, plus strand): 5'-TCCCGGCCTCGCGCACCTGCTCAGGCCATGATGAGCTTCGGCGGCGCGGACGCGCTGCTG[G>C]GCGCCCCGTTCGCGCCGCTGCATGGCGGCGGCAGCCTCCACTACGCGCTAGCCCGAAAGG-3'
Protein context (NP_066554.2, residues 2-22): MSFGGADALL[Gly12Arg]APFAPLHGGG